The following is an entry in ClinVar:

NM_003906.5(MCM3AP):c.5159G>C (p.Arg1720Thr)

Genes: MCM3AP (minichromosome maintenance complex component 3 associated protein; minus strand), MCM3AP-AS1 (MCM3AP antisense RNA 1; plus strand). Cytogenetic location: 21q22.3.
Variant type: single nucleotide variant.
Coding change: c.5159G>C on transcript NM_003906.5 (MANE Select); coding-DNA position 5159, G replaced by C.
Protein change: p.Arg1720Thr; replaces arginine 1720 with threonine.
Molecular consequence: missense variant.
Genome position (GRCh38, 1-based): chr21:46,243,602, C>G on the plus strand (G>C on the coding strand, the complement: MCM3AP is on the minus strand). VCF-style: chr21-46243602-C-G. GRCh37 (hg19) VCF-style: chr21-47663516-C-G.
Other names: c.5159G>C (NM_003906.4, NM_003906.3); short protein forms R1720T.
Identifiers: ClinVar variation 2040893 (VCV002040893.7), dbSNP rs201049186, ClinGen allele CA10075937.

ClinVar aggregate classification (germline): Uncertain significance. Review status: criteria provided, multiple submitters, no conflicts (2 of 4 stars). 4 submissions from 4 submitters: Uncertain significance (4). Last evaluated 2026-08-01.

Conditions:
MCM3AP-related disorder. Also called: MCM3AP-related condition.
Inborn genetic diseases. Identifiers: MedGen C0950123, MeSH D030342.

Allele frequency attached by ClinVar (database versions not stated): TOPMed 0.00013; ExAC 0.00017; gnomAD 0.00018; 1000 Genomes Project 0.00020; 1000 Genomes Project 30x 0.00031.
gnomAD v4.1: 237 of 1,614,256 alleles (0.015%); highest among the groups gnomAD compares: Middle Eastern, 0.15%; no homozygotes.

Submissions (4):

CeGaT Center for Human Genetics Tuebingen
Classification: Uncertain significance. Last evaluated: 2026-08-01. Review status: criteria provided, single submitter. Criteria: CeGaT Center For Human Genetics Tuebingen Variant Classification Criteria Version 2. Collection method: clinical testing. Allele origin: germline. Affected: yes. Observed: 1 variant allele.
Comment: MCM3AP: PM2, BP4

Ambry Genetics
Classification: Uncertain significance for Inborn genetic diseases. Last evaluated: 2025-04-15. Review status: criteria provided, single submitter. Criteria: Ambry Variant Classification Scheme 2023. Collection method: clinical testing. Allele origin: germline.

PreventionGenetics, part of Exact Sciences
Classification: Uncertain significance for MCM3AP-related condition. Last evaluated: 2025-02-17. Review status: criteria provided, single submitter. Criteria: ACMG Guidelines, 2015. Collection method: clinical testing. Allele origin: germline.
Comment: The MCM3AP c.5159G>C variant is predicted to result in the amino acid substitution p.Arg1720Thr. To our knowledge, this variant has not been reported in the literature. This variant is reported in 0.062% of alleles in individuals of South Asian descent in gnomAD. Although we suspect that this variant may be benign, at this time, the clinical significance of this variant is uncertain due to the absence of conclusive functional and genetic evidence.

Labcorp Genetics (formerly Invitae), Labcorp
Classification: Uncertain significance. Last evaluated: 2024-01-24. Review status: criteria provided, single submitter. Criteria: Invitae Variant Classification Sherloc (09022015). Collection method: clinical testing. Allele origin: germline.
Comment: This sequence change replaces arginine, which is basic and polar, with threonine, which is neutral and polar, at codon 1720 of the MCM3AP protein (p.Arg1720Thr). This variant is present in population databases (rs201049186, gnomAD 0.06%). This variant has not been reported in the literature in individuals affected with MCM3AP-related conditions. ClinVar contains an entry for this variant (Variation ID: 2040893). An algorithm developed to predict the effect of missense changes on protein structure and function (PolyPhen-2) suggests that this variant¬†is likely to be tolerated. In summary, the available evidence is currently insufficient to determine the role of this variant in disease. Therefore, it has been classified as a Variant of Uncertain Significance.